The following is an entry in ClinVar:

ClinVar aggregate classification (germline): Uncertain significance (1 of 4 stars; one submission).

Submission:

GeneDx
Classification: Uncertain significance. Last evaluated: 2026-02-10. Review status: criteria provided, single submitter. Criteria: GeneDx Variant Classification Process June 2021. Collection method: clinical testing. Allele origin: germline.
Comment: Not observed at significant frequency in large population cohorts (gnomAD); In silico analysis supports that this missense variant has a deleterious effect on protein structure/function; Has not been previously published as pathogenic or benign to our knowledge

NM_001039469.3(MARK2):c.2285G>T (p.Gly762Val)

Gene: MARK2 (microtubule affinity regulating kinase 2; plus strand). Cytogenetic location: 11q13.1.
Variant type: single nucleotide variant.
Coding change: c.2285G>T on transcript NM_001039469.3 (MANE Select); coding-DNA position 2285, G replaced by T.
Protein change: p.Gly762Val; replaces glycine 762 with valine.
Molecular consequence: missense variant.
Genome position (GRCh38, 1-based): chr11:63,909,155, G>T. VCF-style: chr11-63909155-G-T. GRCh37 (hg19) VCF-style: chr11-63676627-G-T.
Other names: c.2078G>T, p.Gly693Val (NM_001163296.2); c.2048G>T, p.Gly683Val (NM_001163297.2); c.2093G>T, p.Gly698Val (NM_004954.5); c.2156G>T, p.Gly719Val (NM_017490.4); short protein forms G683V, G693V, G698V, G719V, G762V.
Identifiers: ClinVar variation 4976165 (VCV004976165.1).